The following is an entry in ClinVar:

ClinVar aggregate classification (germline): Pathogenic (1 of 4 stars; one submission).

Conditions:
Inborn genetic diseases. Identifiers: MedGen C0950123, MeSH D030342.

Submission:

Ambry Genetics
Classification: Pathogenic for Inborn genetic diseases. Last evaluated: 2025-12-15. Review status: criteria provided, single submitter. Criteria: Ambry Variant Classification Scheme 2023. Collection method: clinical testing. Allele origin: germline.
Comment: The c.4628C>A (p.S1543*) alteration, located in exon 12 (coding exon 12) of the ASXL3 gene, consists of a C to A substitution at nucleotide position 4628. This changes the amino acid from a serine (S) to a stop codon at amino acid position 1543. This variant is not expected to trigger nonsense-mediated mRNA decay, and impacts the last 31% of the protein. However, premature stop codons are typically deleterious in nature, the impacted region is critical for protein function, and a significant portion of the protein is affected (Ambry internal data). This variant was not reported in population-based cohorts in the Genome Aggregation Database (gnomAD). Based on the available evidence, this alteration is classified as pathogenic.

NM_030632.3(ASXL3):c.4628C>A (p.Ser1543Ter)

Gene: ASXL3 (ASXL transcriptional regulator 3; plus strand). Cytogenetic location: 18q12.1.
Variant type: single nucleotide variant.
Coding change: c.4628C>A on transcript NM_030632.3 (MANE Select); coding-DNA position 4628, C replaced by A.
Protein change: p.Ser1543Ter; replaces serine 1543 with a stop codon.
Molecular consequence: nonsense.
Genome position (GRCh38, 1-based): chr18:33,744,476, C>A. VCF-style: chr18-33744476-C-A. GRCh37 (hg19) VCF-style: chr18-31324440-C-A.
Other names: short protein forms S1543*.
Identifiers: ClinVar variation 4832953 (VCV004832953.1).